The following is an entry in ClinVar:

NM_078470.6(COX15):c.857C>T (p.Ala286Val)

Gene: COX15 (cytochrome c oxidase assembly homolog COX15; minus strand). Cytogenetic location: 10q24.2.
Variant type: single nucleotide variant.
Coding change: c.857C>T on transcript NM_078470.6 (MANE Select); coding-DNA position 857, C replaced by T.
Protein change: p.Ala286Val; replaces alanine 286 with valine.
Molecular consequence: missense variant. On other transcripts: intron variant (2).
Genome position (GRCh38, 1-based): chr10:99,718,476, G>A on the plus strand (C>T on the coding strand, the complement: COX15 is on the minus strand). VCF-style: chr10-99718476-G-A. GRCh37 (hg19) VCF-style: chr10-101478233-G-A.
Other names: c.857C>T, p.Ala286Val (NM_001320974.2, NM_001372024.1, NM_001372025.1 and 2 more transcripts); c.320C>T, p.Ala107Val (NM_001320976.2); c.830C>T, p.Ala277Val (NM_001372026.1); c.833-2015C>T (NM_001372028.1, NM_001320975.2); short protein forms A107V, A277V, A286V.
Identifiers: ClinVar variation 2062141 (VCV002062141.1), dbSNP rs1564646098, ClinGen allele CA378102255.

ClinVar aggregate classification (germline): Uncertain significance (1 of 4 stars; one submission).

Allele frequency attached by ClinVar (database versions not stated): gnomAD exomes below 0.00001.

Submission:

Labcorp Genetics (formerly Invitae), Labcorp
Classification: Uncertain significance. Last evaluated: 2021-12-27. Review status: criteria provided, single submitter. Criteria: Invitae Variant Classification Sherloc (09022015). Collection method: clinical testing. Allele origin: germline.
Comment: This sequence change replaces alanine, which is neutral and non-polar, with valine, which is neutral and non-polar, at codon 286 of the COX15 protein (p.Ala286Val). This variant is present in population databases (no rsID available, gnomAD 0.006%). This variant has not been reported in the literature in individuals affected with COX15-related conditions. Algorithms developed to predict the effect of missense changes on protein structure and function are either unavailable or do not agree on the potential impact of this missense change (SIFT: "Not Available"; PolyPhen-2: "Probably Damaging"; Align-GVGD: "Not Available"). In summary, the available evidence is currently insufficient to determine the role of this variant in disease. Therefore, it has been classified as a Variant of Uncertain Significance.